The following is an entry in ClinVar:

ClinVar aggregate classification (germline): Uncertain significance. Review status: criteria provided, multiple submitters, no conflicts (2 of 4 stars). 2 submissions from 2 submitters: Uncertain significance (2). Last evaluated 2025-07-21.

Allele frequency attached by ClinVar (database versions not stated): ExAC 0.00007; gnomAD 0.00007; TOPMed 0.00008; ESP Exome Variant Server 0.00015; 1000 Genomes Project 30x 0.00016; 1000 Genomes Project 0.00020.

Submissions (2):

Labcorp Genetics (formerly Invitae), Labcorp
Classification: Uncertain significance. Last evaluated: 2025-07-21. Review status: criteria provided, single submitter. Criteria: Invitae Variant Classification Sherloc (09022015). Collection method: clinical testing. Allele origin: germline.
Comment: This sequence change replaces asparagine, which is neutral and polar, with serine, which is neutral and polar, at codon 236 of the MSMO1 protein (p.Asn236Ser). This variant is present in population databases (rs184068460, gnomAD 0.02%). This variant has not been reported in the literature in individuals affected with MSMO1-related conditions. ClinVar contains an entry for this variant (Variation ID: 2081345). Invitae Evidence Modeling of protein sequence and biophysical properties (such as structural, functional, and spatial information, amino acid conservation, physicochemical variation, residue mobility, and thermodynamic stability) indicates that this missense variant is not expected to disrupt MSMO1 protein function with a negative predictive value of 80%. In summary, the available evidence is currently insufficient to determine the role of this variant in disease. Therefore, it has been classified as a Variant of Uncertain Significance.

Ambry Genetics
Classification: Uncertain significance. Last evaluated: 2024-04-12. Review status: criteria provided, single submitter. Criteria: Ambry Variant Classification Scheme 2023. Collection method: clinical testing. Allele origin: germline.

NM_006745.5(MSMO1):c.707A>G (p.Asn236Ser)

Gene: MSMO1 (methylsterol monooxygenase 1; plus strand). Cytogenetic location: 4q32.3.
Variant type: single nucleotide variant.
Coding change: c.707A>G on transcript NM_006745.5 (MANE Select); coding-DNA position 707, A replaced by G.
Protein change: p.Asn236Ser; replaces asparagine 236 with serine.
Molecular consequence: missense variant.
Genome position (GRCh38, 1-based): chr4:165,341,771, A>G. VCF-style: chr4-165341771-A-G. GRCh37 (hg19) VCF-style: chr4-166262923-A-G.
Other names: c.314A>G, p.Asn105Ser (NM_001017369.3); c.707A>G (NM_006745.4); short protein forms N105S, N236S.
Identifiers: ClinVar variation 2081345 (VCV002081345.5), dbSNP rs184068460, ClinGen allele CA3130040.
Genomic context (GRCh38, chr4:165,341,771, plus strand): 5'-TGTATTTATTCCTTAATAATCTTTATCATTTTTGTTTCAGTGGTTATGATATTCCTCTCA[A>G]CCCTTTAAATCTGATCCCTTTCTATGCTGGTTCTCGGCATCATGATTTCCACCACATGAA-3'
Protein context (NP_006736.1, residues 226-246): DVHSGYDIPL[Asn236Ser]PLNLIPFYAG